The following is an entry in ClinVar:

ClinVar aggregate classification (germline): Uncertain significance (1 of 4 stars; one submission).

Conditions:
POLD1-related polyposis and colorectal cancer syndrome (CRCS10). Also called: Colorectal cancer 10; COLORECTAL CANCER, SUSCEPTIBILITY TO, ON CHROMOSOME 19q; Colorectal cancer, susceptibility to, 10. Identifiers: Orphanet 220460, MedGen C2675481, MONDO:0012953, OMIM 612591.

Submission:

Labcorp Genetics (formerly Invitae), Labcorp
Classification: Uncertain significance for POLD1-related polyposis and colorectal cancer syndrome. Last evaluated: 2024-12-04. Review status: criteria provided, single submitter. Criteria: Invitae Variant Classification Sherloc (09022015). Collection method: clinical testing. Allele origin: germline.
Comment: This sequence change replaces arginine, which is basic and polar, with proline, which is neutral and non-polar, at codon 119 of the POLD1 protein (p.Arg119Pro). This variant is not present in population databases (gnomAD no frequency). This variant has not been reported in the literature in individuals affected with POLD1-related conditions. An algorithm developed to predict the effect of missense changes on protein structure and function outputs the following: PolyPhen-2: "Benign". The proline amino acid residue is found in multiple mammalian species, which suggests that this missense change does not adversely affect protein function. In summary, the available evidence is currently insufficient to determine the role of this variant in disease. Therefore, it has been classified as a Variant of Uncertain Significance.

NM_002691.4(POLD1):c.356G>C (p.Arg119Pro)

Gene: POLD1 (DNA polymerase delta 1, catalytic subunit; plus strand). Cytogenetic location: 19q13.33.
Variant type: single nucleotide variant.
Coding change: c.356G>C on transcript NM_002691.4 (MANE Select); coding-DNA position 356, G replaced by C.
Protein change: p.Arg119Pro; replaces arginine 119 with proline.
Molecular consequence: missense variant. On other transcripts: non-coding transcript variant (1).
Genome position (GRCh38, 1-based): chr19:50,401,817, G>C. VCF-style: chr19-50401817-G-C. GRCh37 (hg19) VCF-style: chr19-50905074-G-C.
Other names: c.356G>C, p.Arg119Pro (NM_001256849.1, NM_001308632.1); short protein forms R119P.
Identifiers: ClinVar variation 3726583 (VCV003726583.2).